The following is an entry in ClinVar:

NM_005228.5(EGFR):c.1250T>G (p.Leu417Arg)

Gene: EGFR (epidermal growth factor receptor; plus strand). Cytogenetic location: 7p11.2.
Variant type: single nucleotide variant.
Coding change: c.1250T>G on transcript NM_005228.5 (MANE Select); coding-DNA position 1250, T replaced by G.
Protein change: p.Leu417Arg; replaces leucine 417 with arginine.
Molecular consequence: missense variant.
Genome position (GRCh38, 1-based): chr7:55,157,705, T>G. VCF-style: chr7-55157705-T-G. GRCh37 (hg19) VCF-style: chr7-55225398-T-G.
Other names: c.1115T>G, p.Leu372Arg (NM_001346897.2, NM_001346899.2); c.1250T>G, p.Leu417Arg (NM_001346898.2, NM_201282.2, NM_201284.2); c.1091T>G, p.Leu364Arg (NM_001346900.2); c.449T>G, p.Leu150Arg (NM_001346941.2); short protein forms L150R, L417R, L364R, L372R.
Identifiers: ClinVar variation 4247366 (VCV004247366.1).

ClinVar aggregate classification (germline): Uncertain significance (1 of 4 stars; one submission).

Conditions:
Hereditary cancer-predisposing syndrome. Also called: Hereditary Cancer Syndrome; Hereditary neoplastic syndrome; Neoplastic Syndromes, Hereditary; Tumor predisposition. Identifiers: Orphanet 140162, MedGen C0027672, MeSH D009386, MONDO:0015356.

gnomAD v4.1: 1 of 1,614,244 alleles (0.000062%); highest among the groups gnomAD compares: Non-Finnish European, 0.000085%; no homozygotes.

Submission:

Ambry Genetics
Classification: Uncertain significance for Hereditary cancer-predisposing syndrome. Last evaluated: 2025-09-06. Review status: criteria provided, single submitter. Criteria: Ambry Variant Classification Scheme 2023. Collection method: clinical testing. Allele origin: germline.
Comment: The p.L417R variant (also known as c.1250T>G), located in coding exon 11 of the EGFR gene, results from a T to G substitution at nucleotide position 1250. The leucine at codon 417 is replaced by arginine, an amino acid with dissimilar properties. This amino acid position is conserved. In addition, this alteration is predicted to be deleterious by in silico analysis. Based on the available evidence, the clinical significance of this variant remains unclear.